The following is an entry in ClinVar:

ClinVar aggregate classification (germline): Uncertain significance. Review status: criteria provided, multiple submitters, no conflicts (2 of 4 stars). 3 submissions from 3 submitters: Uncertain significance (3). Last evaluated 2024-01-01.

Conditions:
Renal tubular dysgenesis of genetic origin. Also called: PRIMITIVE RENAL TUBULE SYNDROME. Identifiers: Orphanet 97369, MedGen C5681536, MONDO:0009970, OMIM 267430.
Microvascular complications of diabetes, susceptibility to, 3. Identifiers: MedGen C2675470, MONDO:0012963, OMIM 612624.
Hemorrhage, intracerebral, susceptibility to (ICH). Also called: Stroke, hemorrhagic, susceptibility to. Identifiers: MedGen C3281105, MONDO:0100533, OMIM 614519.

Allele frequency attached by ClinVar (database versions not stated): ExAC 0.00010; ESP Exome Variant Server 0.00016.
gnomAD v4.1: 288 of 1,603,100 alleles (0.018%); highest among the groups gnomAD compares: Non-Finnish European, 0.023%; no homozygotes.

Submissions (3):

CeGaT Center for Human Genetics Tuebingen
Classification: Uncertain significance. Last evaluated: 2024-01-01. Review status: criteria provided, single submitter. Criteria: CeGaT Center For Human Genetics Tuebingen Variant Classification Criteria Version 2. Collection method: clinical testing. Allele origin: germline. Affected: yes. Observed: 1 variant allele.
Comment: ACE: PM2, BP4

Fulgent Genetics
Classification: Uncertain significance for Renal tubular dysgenesis of genetic origin; Microvascular complications of diabetes, susceptibility to, 3; Hemorrhage, intracerebral, susceptibility to. Last evaluated: 2022-01-25. Review status: criteria provided, single submitter. Criteria: ACMG Guidelines, 2015. Collection method: clinical testing. Allele origin: unknown.

Labcorp Genetics (formerly Invitae), Labcorp
Classification: Uncertain significance. Last evaluated: 2021-09-17. Review status: criteria provided, single submitter. Criteria: Invitae Variant Classification Sherloc (09022015). Collection method: clinical testing. Allele origin: germline.
Comment: This sequence change replaces arginine with histidine at codon 1232 of the ACE protein (p.Arg1232His). The arginine residue is weakly conserved and there is a small physicochemical difference between arginine and histidine. This variant is present in population databases (rs372282664, ExAC 0.02%). This variant has not been reported in the literature in individuals affected with ACE-related conditions. Algorithms developed to predict the effect of missense changes on protein structure and function (SIFT, PolyPhen-2, Align-GVGD) all suggest that this variant is likely to be tolerated. In summary, the available evidence is currently insufficient to determine the role of this variant in disease. Therefore, it has been classified as a Variant of Uncertain Significance.

NM_000789.4(ACE):c.3695G>A (p.Arg1232His)

Gene: ACE (angiotensin I converting enzyme; plus strand). Cytogenetic location: 17q23.3.
Variant type: single nucleotide variant.
Coding change: c.3695G>A on transcript NM_000789.4 (MANE Select); coding-DNA position 3695, G replaced by A.
Protein change: p.Arg1232His; replaces arginine 1232 with histidine.
Molecular consequence: missense variant. On other transcripts: non-coding transcript variant (1).
Genome position (GRCh38, 1-based): chr17:63,497,140, G>A. VCF-style: chr17-63497140-G-A. GRCh37 (hg19) VCF-style: chr17-61574501-G-A.
Other names: c.1850G>A, p.Arg617His (NM_001178057.2); c.3128G>A, p.Arg1043His (NM_001382700.1); c.2843G>A, p.Arg948His (NM_001382701.1); c.1310G>A, p.Arg437His (NM_001382702.1); c.1973G>A, p.Arg658His (NM_152830.3); short protein forms R948H, R1043H, R617H, R1232H, R437H, R658H.
Identifiers: ClinVar variation 1503228 (VCV001503228.28), dbSNP rs372282664, ClinGen allele CA8700640.